The following is an entry in ClinVar:

ClinVar aggregate classification (germline): Benign (0 of 4 stars; one submission).

Conditions:
EP400-related disorder. Also called: EP400-related condition.

Allele frequency attached by ClinVar (database versions not stated): gnomAD exomes 0.04142; ExAC 0.06836; ESP Exome Variant Server 0.11472; TOPMed 0.11491; gnomAD 0.11762; 1000 Genomes Project 0.12760; 1000 Genomes Project 30x 0.12898.
gnomAD v4.1: 79,082 of 1,613,630 alleles (4.9%); highest among the groups gnomAD compares: African/African-American, 30%; 5,138 homozygotes.

Submission:

PreventionGenetics, part of Exact Sciences
Classification: Benign for EP400-related condition. Last evaluated: 2019-10-28. Review status: no assertion criteria provided. Collection method: clinical testing. Allele origin: germline.
Comment: This variant is classified as benign based on ACMG/AMP sequence variant interpretation guidelines (Richards et al. 2015 PMID: 25741868, with internal and published modifications).

NM_015409.5(EP400):c.8250G>A (p.Thr2750=)

Gene: EP400 (E1A binding protein p400; plus strand). Cytogenetic location: 12q24.33.
Variant type: single nucleotide variant.
Coding change: c.8250G>A on transcript NM_015409.5 (MANE Select); coding-DNA position 8250, G replaced by A.
Protein change: p.Thr2750=; no amino-acid change (threonine 2750 retained).
Molecular consequence: synonymous variant.
Genome position (GRCh38, 1-based): chr12:132,062,617, G>A. VCF-style: chr12-132062617-G-A. GRCh37 (hg19) VCF-style: chr12-132547162-G-A.
Identifiers: ClinVar variation 3055795 (VCV003055795.2), dbSNP rs55938102, ClinGen allele CA6887109.
Genomic context (GRCh38, chr12:132,062,617, plus strand): 5'-GCAGCAGCAGCAGCAGCAGCAGCAGCAGCAGCAGCAACAGCAGCAGCAGCAACAGACGAC[G>A]ACGACCTCTCAGGTGCAAGTTCCACAGATCCAGGGCCAGGCCCAGTCCCCAGCACAGATC-3'
Protein context (NP_056224.3, residues 2740-2760): QQQQQQQQQT[Thr2750=]TTSQVQVPQI